The following is an entry in ClinVar:

ClinVar aggregate classification (germline): Uncertain significance (1 of 4 stars; one submission).

Conditions:
Brugada syndrome. Also called: Sudden unexpected nocturnal death syndrome; Sudden unexplained nocturnal death syndrome; Sudden Unexplained Death Syndrome; Sudden Unexplained Nocturnal Death Syndrome (SUNDS). Identifiers: Orphanet 130, MedGen C1142166, MONDO:0015263.

Allele frequency attached by ClinVar (database versions not stated): gnomAD exomes 0.00001; gnomAD 0.00002 and 0.00003; ESP Exome Variant Server 0.00008.
gnomAD v4.1: 14 of 1,597,082 alleles (0.00088%); highest among the groups gnomAD compares: Admixed American, 0.005%; no homozygotes.

Submission:

Labcorp Genetics (formerly Invitae), Labcorp
Classification: Uncertain significance for Brugada syndrome. Last evaluated: 2026-01-14. Review status: criteria provided, single submitter. Criteria: Invitae Variant Classification Sherloc (09022015). Collection method: clinical testing. Allele origin: germline.
Comment: This sequence change replaces glycine, which is neutral and non-polar, with serine, which is neutral and polar, at codon 471 of the CACNA2D1 protein (p.Gly471Ser). This variant is present in population databases (rs377337212, gnomAD 0.006%). This variant has not been reported in the literature in individuals affected with CACNA2D1-related conditions. ClinVar contains an entry for this variant (Variation ID: 1523635). An algorithm developed to predict the effect of missense changes on protein structure and function (PolyPhen-2) suggests that this variant is likely to be tolerated. In summary, the available evidence is currently insufficient to determine the role of this variant in disease. Therefore, it has been classified as a Variant of Uncertain Significance.

NM_000722.4(CACNA2D1):c.1411G>A (p.Gly471Ser)

Gene: CACNA2D1 (calcium voltage-gated channel auxiliary subunit alpha2delta 1; minus strand). Cytogenetic location: 7q21.11.
Variant type: single nucleotide variant.
Coding change: c.1411G>A on transcript NM_000722.4 (MANE Select); coding-DNA position 1411, G replaced by A.
Protein change: p.Gly471Ser; replaces glycine 471 with serine.
Molecular consequence: missense variant.
Genome position (GRCh38, 1-based): chr7:82,007,708, C>T on the plus strand (G>A on the coding strand, the complement: CACNA2D1 is on the minus strand). VCF-style: chr7-82007708-C-T. GRCh37 (hg19) VCF-style: chr7-81637024-C-T.
Other names: c.1411G>A, p.Gly471Ser (NM_001366867.1); short protein forms G471S.
Identifiers: ClinVar variation 1523635 (VCV001523635.8), dbSNP rs377337212, ClinGen allele CA161128229.